The following is an entry in ClinVar:

ClinVar aggregate classification (germline): Uncertain significance (1 of 4 stars; one submission).

Conditions:
3-Methylglutaconic aciduria type 2 (BTHS). Also called: CARDIOSKELETAL MYOPATHY WITH NEUTROPENIA AND ABNORMAL MITOCHONDRIA; Barth syndrome. Identifiers: Orphanet 111, MedGen C0574083, MONDO:0010543, OMIM 302060.

Submission:

Labcorp Genetics (formerly Invitae), Labcorp
Classification: Uncertain significance for 3-Methylglutaconic aciduria type 2. Last evaluated: 2023-08-30. Review status: criteria provided, single submitter. Criteria: Invitae Variant Classification Sherloc (09022015). Collection method: clinical testing. Allele origin: germline.
Comment: This variant is not present in population databases (gnomAD no frequency). This variant has not been reported in the literature in individuals affected with TAZ-related conditions. An algorithm developed to predict the effect of missense changes on protein structure and function (PolyPhen-2) suggests that this variant is likely to be disruptive. In summary, the available evidence is currently insufficient to determine the role of this variant in disease. Therefore, it has been classified as a Variant of Uncertain Significance. This sequence change replaces lysine, which is basic and polar, with methionine, which is neutral and non-polar, at codon 193 of the TAZ protein (p.Lys193Met).

NM_000116.5(TAFAZZIN):c.578A>T (p.Lys193Met)

Gene: TAFAZZIN (tafazzin, phospholipid-lysophospholipid transacylase; plus strand). Cytogenetic location: Xq28.
Variant type: single nucleotide variant.
Coding change: c.578A>T on transcript NM_000116.5 (MANE Select); coding-DNA position 578, A replaced by T.
Protein change: p.Lys193Met; replaces lysine 193 with methionine.
Molecular consequence: missense variant. On other transcripts: non-coding transcript variant (1), intron variant (3).
Genome position (GRCh38, 1-based): chrX:154,419,741, A>T. VCF-style: chrX-154419741-A-T. GRCh37 (hg19) VCF-style: chrX-153648080-A-T.
Other names: c.542A>T, p.Lys181Met (NM_001410698.1); c.488A>T, p.Lys163Met (NM_181311.4); c.595+118A>T (NM_001303465.2); c.541+118A>T (NM_181312.4); c.451+118A>T (NM_181313.4); short protein forms K181M, K163M, K193M.
Identifiers: ClinVar variation 2756444 (VCV002756444.3), dbSNP rs2522987068, ClinGen allele CA415183982.